The following is an entry in ClinVar:

ClinVar aggregate classification (germline): Uncertain significance (1 of 4 stars; one submission).

Submission:

Labcorp Genetics (formerly Invitae), Labcorp
Classification: Uncertain significance. Last evaluated: 2022-12-06. Review status: criteria provided, single submitter. Criteria: Invitae Variant Classification Sherloc (09022015). Collection method: clinical testing. Allele origin: germline.
Comment: In summary, the available evidence is currently insufficient to determine the role of this variant in disease. Therefore, it has been classified as a Variant of Uncertain Significance. This sequence change creates a premature translational stop signal (p.Ile1387Leufs*19) in the CACNA1D gene. It is expected to result in an absent or disrupted protein product. However, the current clinical and genetic evidence is not sufficient to establish whether loss-of-function variants in CACNA1D cause disease. This variant is not present in population databases (gnomAD no frequency). This variant has not been reported in the literature in individuals affected with CACNA1D-related conditions. ClinVar contains an entry for this variant (Variation ID: 1465332).

NM_001128840.3(CACNA1D):c.4083_4098dup (p.Ile1367fs)

Gene: CACNA1D (calcium voltage-gated channel subunit alpha1 D; plus strand). Cytogenetic location: 3p21.1.
Variant type: Duplication.
Coding change: c.4083_4098dup on transcript NM_001128840.3 (MANE Select); coding-DNA positions 4083 to 4098, 16 bases duplicated (CTTCATCTATGCGGTC).
Protein change: p.Ile1367fs; shifts the reading frame from isoleucine 1367.
Molecular consequence: frameshift variant.
Genome position (GRCh38, 1-based): chr3:53,772,871-53,772,886, CTTCATCTATGCGGTC duplicated. VCF-style (leftmost placement, unchanged base first): chr3-53772870-T-TCTTCATCTATGCGGTC. GRCh37 (hg19) VCF-style: chr3-53806897-T-TCTTCATCTATGCGGTC.
Other names: c.4143_4158dup, p.Ile1387fs (NM_000720.4); c.4038_4053dup, p.Ile1352fs (NM_001128839.3); short protein forms I1387fs, I1367fs, I1352fs.
Identifiers: ClinVar variation 1465332 (VCV001465332.6), dbSNP rs2109016730, ClinGen allele CA2573137381.